The following is an entry in ClinVar:

NM_001297.5(CNGB1):c.1679A>G (p.Asn560Ser)

Gene: CNGB1 (cyclic nucleotide gated channel subunit beta 1; minus strand). Cytogenetic location: 16q21.
Variant type: single nucleotide variant.
Coding change: c.1679A>G on transcript NM_001297.5 (MANE Select); coding-DNA position 1679, A replaced by G.
Protein change: p.Asn560Ser; replaces asparagine 560 with serine.
Molecular consequence: missense variant.
Genome position (GRCh38, 1-based): chr16:57,920,509, T>C on the plus strand (A>G on the coding strand, the complement: CNGB1 is on the minus strand). VCF-style: chr16-57920509-T-C. GRCh37 (hg19) VCF-style: chr16-57954413-T-C.
Other names: c.1661A>G, p.Asn554Ser (NM_001286130.2); short protein forms N554S, N560S.
Identifiers: ClinVar variation 1934606 (VCV001934606.5), dbSNP rs772061459, ClinGen allele CA8083327.
Genomic context (GRCh38, chr16:57,920,509, plus strand): 5'-TCTGTCCGCTCCTTGAAGAGCTTCACCAGCTCCTGGAGCCGGTCGTTGATGATGGCGCTA[T>C]TTGTGCTGGCCGTGGAGGCCGCACGGTCCTGGCCACTGTGGGAACATCACCCAAAGCTGA-3'
Protein context (NP_001288.3, residues 550-570): QDRAASTAST[Asn560Ser]SAIINDRLQE

ClinVar aggregate classification (germline): Uncertain significance (1 of 4 stars; one submission).

Allele frequency attached by ClinVar (database versions not stated): ExAC 0.00001; TOPMed 0.00001.

Submission:

Labcorp Genetics (formerly Invitae), Labcorp
Classification: Uncertain significance. Last evaluated: 2022-07-30. Review status: criteria provided, single submitter. Criteria: Invitae Variant Classification Sherloc (09022015). Collection method: clinical testing. Allele origin: germline.
Comment: This variant is present in population databases (rs772061459, gnomAD 0.003%). This variant has not been reported in the literature in individuals affected with CNGB1-related conditions. Advanced modeling of protein sequence and biophysical properties (such as structural, functional, and spatial information, amino acid conservation, physicochemical variation, residue mobility, and thermodynamic stability) performed at Invitae indicates that this missense variant is not expected to disrupt CNGB1 protein function. This sequence change replaces asparagine, which is neutral and polar, with serine, which is neutral and polar, at codon 560 of the CNGB1 protein (p.Asn560Ser). In summary, the available evidence is currently insufficient to determine the role of this variant in disease. Therefore, it has been classified as a Variant of Uncertain Significance.